The following is an entry in ClinVar:

NM_000393.5(COL5A2):c.3482G>T (p.Gly1161Val)

Gene: COL5A2 (collagen type V alpha 2 chain; minus strand). Cytogenetic location: 2q32.2.
Variant type: single nucleotide variant.
Coding change: c.3482G>T on transcript NM_000393.5 (MANE Select); coding-DNA position 3482, G replaced by T.
Protein change: p.Gly1161Val; replaces glycine 1161 with valine.
Molecular consequence: missense variant.
Genome position (GRCh38, 1-based): chr2:189,042,763, C>A on the plus strand (G>T on the coding strand, the complement: COL5A2 is on the minus strand). VCF-style: chr2-189042763-C-A. GRCh37 (hg19) VCF-style: chr2-189907489-C-A.
Other names: short protein forms G1161V.
Identifiers: ClinVar variation 4869277 (VCV004869277.1).

ClinVar aggregate classification (germline): Pathogenic (1 of 4 stars; one submission).

Conditions:
Familial thoracic aortic aneurysm and aortic dissection (TAAD). Also called: Thoracic aortic aneurysms and dissections. Identifiers: Orphanet 91387, MedGen C4707243, MONDO:0019625.

Submission:

Ambry Genetics
Classification: Pathogenic for Familial thoracic aortic aneurysm and aortic dissection. Last evaluated: 2026-04-16. Review status: criteria provided, single submitter. Criteria: Ambry Variant Classification Scheme 2023. Collection method: clinical testing. Allele origin: germline.
Comment: The c.3482G>T (p.G1161V) alteration is located in exon 49 (coding exon 49) of the COL5A2 gene. This alteration results from a G to T substitution at nucleotide position 3482, causing the glycine (G) at amino acid position 1161 to be replaced by a valine (V). This variant was not reported in population-based cohorts in the Genome Aggregation Database (gnomAD). This amino acid position is highly conserved in available vertebrate species. Internal structural analysis indicates that this alteration disrupts the characteristic G-X-Y motif of the triple helical domain in the COL5A2 protein and inserts a bulky side chain into a sterically-constrained region (Bella, 1994; Hohenester, 2008; Ambry internal data). Glycine substitutions in the triple helical domain of COL5A2 have been reported in association with classic Ehlers-Danlos syndrome (cEDS), but the number of affected individuals is limited and several other COL5A2 glycine substitutions in the triple helical domain (e.g., p.G951E and p.G831A) are too common for disease in population databases (Symoen, 2012; Ritelli, 2013). This alteration is predicted to be deleterious by in silico analysis. Based on the available evidence, this alteration is classified as pathogenic.

Literature cited by the submitters: PubMed 7695699; PubMed 19011090; PubMed 22696272; PubMed 23587214.